The following is an entry in ClinVar:

ClinVar aggregate classification (germline): Benign/Likely benign. Review status: criteria provided, multiple submitters, no conflicts (2 of 4 stars). 4 submissions from 4 submitters: Benign (1); Likely benign (3). Last evaluated 2026-01-31.

Conditions:
Familial cancer of breast. Also called: hereditary breast carcinoma; BREAST CANCER, FAMILIAL; Hereditary breast cancer. Identifiers: Orphanet 227535, MedGen C0346153, MONDO:0016419, OMIM 114480. Disease mechanism: loss of function.
Hereditary cancer-predisposing syndrome. Also called: Neoplastic Syndromes, Hereditary; Tumor predisposition; Hereditary Cancer Syndrome; Hereditary neoplastic syndrome. Identifiers: Orphanet 140162, MedGen C0027672, MeSH D009386, MONDO:0015356.
Ataxia-telangiectasia syndrome (AT). Also called: ATAXIA-TELANGIECTASIA, COMPLEMENTATION GROUP A; ATAXIA-TELANGIECTASIA, FRESNO VARIANT; Ataxia-telangiectasia; Ataxia-telangiectasia, complementation group D; AT, COMPLEMENTATION GROUP C; Ataxia-telangiectasia, complementation group E. Identifiers: Orphanet 100, MedGen C0004135, MONDO:0008840, OMIM 208900.

Allele frequency attached by ClinVar (database versions not stated): gnomAD exomes below 0.00001; gnomAD 0.00001; 1000 Genomes Project 30x 0.00016; 1000 Genomes Project 0.00020.
gnomAD v4.1: 1 of 1,613,768 alleles (0.000062%); highest among the groups gnomAD compares: East Asian, 0.0022%; no homozygotes.

Submissions (4):

Labcorp Genetics (formerly Invitae), Labcorp
Classification: Likely benign for Ataxia-telangiectasia syndrome. Last evaluated: 2026-01-31. Review status: criteria provided, single submitter. Criteria: Invitae Variant Classification Sherloc (09022015). Collection method: clinical testing. Allele origin: germline.

Myriad Genetics, Inc.
Classification: Benign for Familial cancer of breast. Last evaluated: 2024-04-16. Review status: criteria provided, single submitter. Criteria: Myriad Autosomal Dominant, Autosomal Recessive and X-Linked Classification Criteria (2023). Collection method: clinical testing. Allele origin: unknown.
Comment: This variant is considered benign. This variant is a silent/synonymous amino acid change and it is not expected to impact splicing.

Ambry Genetics
Classification: Likely benign for Hereditary cancer-predisposing syndrome. Last evaluated: 2019-07-22. Review status: criteria provided, single submitter. Criteria: Ambry Variant Classification Scheme 2023. Collection method: clinical testing. Allele origin: germline.

Color Diagnostics, LLC DBA Color Health
Classification: Likely benign for Hereditary cancer-predisposing syndrome. Last evaluated: 2019-03-21. Review status: criteria provided, single submitter. Criteria: ACMG Guidelines, 2015. Collection method: clinical testing. Allele origin: germline.

NM_000051.4(ATM):c.63A>G (p.Thr21=)

Gene: ATM (ATM serine/threonine kinase; plus strand). Cytogenetic location: 11q22.3.
Variant type: single nucleotide variant.
Coding change: c.63A>G on transcript NM_000051.4 (MANE Select); coding-DNA position 63, A replaced by G.
Protein change: p.Thr21=; no amino-acid change (threonine 21 retained).
Molecular consequence: synonymous variant.
Genome position (GRCh38, 1-based): chr11:108,227,687, A>G. VCF-style: chr11-108227687-A-G. GRCh37 (hg19) VCF-style: chr11-108098414-A-G.
Other names: c.63A>G, p.Thr21= (NM_001351834.2, NM_001351835.2, NM_001351836.2).
Identifiers: ClinVar variation 524446 (VCV000524446.14), dbSNP rs199853729, ClinGen allele CA228368155.